The following is an entry in ClinVar:

NM_001039111.3(TRIM71):c.1486C>T (p.Arg496Cys)

Gene: TRIM71 (tripartite motif containing 71; plus strand). Cytogenetic location: 3p22.3.
Variant type: single nucleotide variant.
Coding change: c.1486C>T on transcript NM_001039111.3 (MANE Select); coding-DNA position 1486, C replaced by T.
Protein change: p.Arg496Cys; replaces arginine 496 with cysteine.
Molecular consequence: missense variant.
Genome position (GRCh38, 1-based): chr3:32,890,690, C>T. VCF-style: chr3-32890690-C-T. GRCh37 (hg19) VCF-style: chr3-32932182-C-T.
Other names: short protein forms R496C.
Identifiers: ClinVar variation 996346 (VCV000996346.3), dbSNP rs372088601, ClinGen allele CA2298871.

ClinVar aggregate classification (germline): Uncertain significance (1 of 4 stars; one submission).

Conditions:
Non-obstructive azoospermia. Identifiers: MedGen C4021107, HP:0011961.

Allele frequency attached by ClinVar (database versions not stated): ESP Exome Variant Server 0.00008; TOPMed 0.00005; 1000 Genomes Project 30x 0.00016.
gnomAD v4.1: 70 of 1,614,002 alleles (0.0043%); highest among the groups gnomAD compares: African/African-American, 0.008%; no homozygotes.

Submission:

Institute of Reproductive Genetics, University of Münster
Classification: Uncertain significance for Non-obstructive azoospermia. Last evaluated: 2021-03-01. Review status: criteria provided, single submitter. Criteria: ACMG Guidelines, 2015. Collection method: research. Allele origin: unknown. Inheritance: Autosomal unknown. Affected: yes. Observed: 1 variant allele, 1 heterozygote.
Comment: PM1, PP3